The following is an entry in ClinVar:

ClinVar aggregate classification (germline): Uncertain significance (1 of 4 stars; one submission).

Submission:

Labcorp Genetics (formerly Invitae), Labcorp
Classification: Uncertain significance. Last evaluated: 2024-11-21. Review status: criteria provided, single submitter. Criteria: Invitae Variant Classification Sherloc (09022015). Collection method: clinical testing. Allele origin: germline.
Comment: This sequence change replaces histidine, which is basic and polar, with proline, which is neutral and non-polar, at codon 847 of the PROM1 protein (p.His847Pro). This variant is not present in population databases (gnomAD no frequency). This variant has not been reported in the literature in individuals affected with PROM1-related conditions. An algorithm developed to predict the effect of missense changes on protein structure and function (PolyPhen-2) suggests that this variant is likely to be disruptive. In summary, the available evidence is currently insufficient to determine the role of this variant in disease. Therefore, it has been classified as a Variant of Uncertain Significance.

NM_006017.3(PROM1):c.2540A>C (p.His847Pro)

Gene: PROM1 (prominin 1; minus strand). Cytogenetic location: 4p15.32.
Variant type: single nucleotide variant.
Coding change: c.2540A>C on transcript NM_006017.3 (MANE Select); coding-DNA position 2540, A replaced by C.
Protein change: p.His847Pro; replaces histidine 847 with proline.
Molecular consequence: missense variant. On other transcripts: intron variant (6).
Genome position (GRCh38, 1-based): chr4:15,979,437, T>G on the plus strand (A>C on the coding strand, the complement: PROM1 is on the minus strand). VCF-style: chr4-15979437-T-G. GRCh37 (hg19) VCF-style: chr4-15981060-T-G.
Other names: c.2513A>C, p.His838Pro (NM_001145847.2, NM_001145848.2, NM_001371406.1); c.2462+985A>C (NM_001145852.2, NM_001371408.1, NM_001371407.1); c.2489+985A>C (NM_001145850.2); c.2486+444A>C (NM_001145851.2); c.2513+444A>C (NM_001145849.2); short protein forms H838P, H847P.
Identifiers: ClinVar variation 3725742 (VCV003725742.2).